The following is an entry in ClinVar:

NM_206933.4(USH2A):c.5819T>C (p.Val1940Ala)

Genes: USH2A (usherin; minus strand), USH2A-AS2 (USH2A antisense RNA 2; plus strand). Cytogenetic location: 1q41.
Variant type: single nucleotide variant.
Coding change: c.5819T>C on transcript NM_206933.4 (MANE Select); coding-DNA position 5819, T replaced by C.
Protein change: p.Val1940Ala; replaces valine 1940 with alanine.
Molecular consequence: missense variant.
Genome position (GRCh38, 1-based): chr1:216,072,927, A>G on the plus strand (T>C on the coding strand, the complement: USH2A is on the minus strand). VCF-style: chr1-216072927-A-G. GRCh37 (hg19) VCF-style: chr1-216246269-A-G.
Other names: short protein forms V1940A.
Identifiers: ClinVar variation 867195 (VCV000867195.15), dbSNP rs2031607129, ClinGen allele CA344853799.
Genomic context (GRCh38, chr1:216,072,927, plus strand): 5'-GCATTTGAAGATAAGTATTTACCTGCTCCTGTTGTACGTCCTCGACTCCAATCACTATAT[A>G]CTGAACCTCCTTCATGCGAGGCTATCACTCGATACAGGTATTCTTAAATGGAAATAAGAT-3'
Protein context (NP_996816.3, residues 1930-1950): RVIASHEGGS[Val1940Ala]YSDWSRGRTT

ClinVar aggregate classification (germline): Uncertain significance. Review status: criteria provided, multiple submitters, no conflicts (2 of 4 stars). 5 submissions from 4 submitters: Uncertain significance (5). Last evaluated 2026-03-09.

Conditions:
Retinitis pigmentosa 39 (RP39). Identifiers: Orphanet 791, MedGen C3151138, MONDO:0013436, OMIM 613809.
Usher syndrome type 2A. Also called: USHER SYNDROME, TYPE IIA; RETINAL DISEASE IN USHER SYNDROME TYPE IIA, MODIFIER OF. Identifiers: Orphanet 231178, Orphanet 886, MedGen C1848634, MONDO:0010169, OMIM 276901.
USH2A-related disorder. Also called: USH2A-related condition; USH2A-related disorders. Identifiers: MedGen CN239332.

Submissions (5):

PreventionGenetics, part of Exact Sciences
Classification: Uncertain significance for USH2A-related condition. Last evaluated: 2026-03-09. Review status: criteria provided, single submitter. Criteria: ACMG Guidelines, 2015. Collection method: clinical testing. Allele origin: germline.
Comment: The USH2A c.5819T>C variant is predicted to result in the amino acid substitution p.Val1940Ala. To our knowledge, this variant has not been reported in the literature or in a large population database (gnomAD), indicating this variant is rare. At this time, the clinical significance of this variant is uncertain due to the absence of conclusive functional and genetic evidence.

Genome-Nilou Lab
Classification: Uncertain significance for Retinitis pigmentosa 39. Last evaluated: 2023-11-04. Review status: criteria provided, single submitter. Criteria: ACMG Guidelines, 2015. Collection method: clinical testing. Allele origin: germline. Affected: no.

Genome-Nilou Lab
Classification: Uncertain significance for Usher syndrome type 2A. Last evaluated: 2023-11-04. Review status: criteria provided, single submitter. Criteria: ACMG Guidelines, 2015. Collection method: clinical testing. Allele origin: germline. Affected: no.

Blueprint Genetics
Classification: Uncertain significance. Last evaluated: 2022-05-16. Review status: criteria provided, single submitter. Criteria: ACMG Guidelines, 2015. Collection method: clinical testing. Allele origin: germline.

Labcorp Genetics (formerly Invitae), Labcorp
Classification: Uncertain significance. Last evaluated: 2022-02-08. Review status: criteria provided, single submitter. Criteria: Invitae Variant Classification Sherloc (09022015). Collection method: clinical testing. Allele origin: germline.
Comment: This sequence change replaces valine, which is neutral and non-polar, with alanine, which is neutral and non-polar, at codon 1940 of the USH2A protein (p.Val1940Ala). In summary, the available evidence is currently insufficient to determine the role of this variant in disease. Therefore, it has been classified as a Variant of Uncertain Significance. Algorithms developed to predict the effect of missense changes on protein structure and function output the following: SIFT: "Deleterious"; PolyPhen-2: "Benign"; Align-GVGD: "Class C55". The alanine amino acid residue is found in multiple mammalian species, which suggests that this missense change does not adversely affect protein function. ClinVar contains an entry for this variant (Variation ID: 867195). This variant has not been reported in the literature in individuals affected with USH2A-related conditions. This variant is not present in population databases (gnomAD no frequency).